The following is an entry in ClinVar:

ClinVar aggregate classification (germline): Pathogenic (1 of 4 stars; one submission).

Conditions:
CHARGE syndrome (CHARGE). Also called: Hittner Hirsch Kreh syndrome; Coloboma, heart anomaly, choanal atresia, retardation, genital and ear anomalies; CHARGE association; Hall-Hittner syndrome; CHARGE ASSOCIATION--COLOBOMA, HEART ANOMALY, CHOANAL ATRESIA, RETARDATION, GENITAL AND EAR ANOMALIES. Identifiers: Orphanet 138, MedGen C0265354, MONDO:0008965.

Submission:

Institute of Biomedical Sciences, Faculty of Medicine, Vilnius university
Classification: Pathogenic for CHD7-related CHARGE syndrome. Last evaluated: 2020-12-13. Review status: criteria provided, single submitter. Criteria: ACMG Guidelines, 2015. Collection method: research. Allele origin: de novo. Affected: yes.
Comment: A de novo 18 nucleotides duplication in exon 31 of the CHD7 gene (c.6341_6358dup, p.Asp2119_Pro2120ins6); which affects an evolutionary constrained region. Modelization of the putatively encoded mutated protein suggests that the insertion of this chain of 6 amino acid residues potentially substitutes a linear chain into a short alpha helix. Besides the duplication described here, other variants affecting the same region in the protein have been identified, for example, the de novo missense variant c.6347T>A; p.Ile2116Asn (CM090041) that changes a hydrophobic into a polar amino acid. The associated patient presented with a milder phenotype than our proband characterized by cleft palate, auricular dysplasia, nystagmus, bilateral perceptive deafness, and semi-circular canal hypoplasia (Jongmans MC, van Ravenswaaij-Arts CM, Pitteloud N, et al. 2009). Similarly, the c.6322G>A; p.Gly2108Arg (CM080142) missense variant has been detected in 3 patients with mild CHARGE syndrome features, which include unilateral optic nerve coloboma and microphthalmia, bilateral sensorineural deafness, dysmorphic ears, hypoplastic semicircular canals, and bifid uvula (Jongmans MC, Hoefsloot LH, van der Donk KP, et al. 2008). The association between the insertion of the HILNDH peptide and a severe phenotype is not surprising as it is predicted to form a novel alpha helix within a highly conserved region of the protein.

Literature cited by the submitters: PubMed 18074359; PubMed 19021638; PubMed 31043788.

NM_017780.4(CHD7):c.6341_6358dup (p.Asp2119_Pro2120insHisHisIleLeuAsnAsp)

Gene: CHD7 (chromodomain helicase DNA binding protein 7; plus strand). Cytogenetic location: 8q12.2.
Variant type: Duplication.
Coding change: c.6341_6358dup on transcript NM_017780.4 (MANE Select); coding-DNA positions 6341 to 6358, 18 bases duplicated (ATCACATCCTCAATGACC).
Protein change: p.Asp2119_Pro2120insHisHisIleLeuAsnAsp.
Molecular consequence: inframe insertion. On other transcripts: intron variant (1).
Genome position (GRCh38, 1-based): chr8:60,853,066-60,853,083, ATCACATCCTCAATGACC duplicated. VCF-style (leftmost placement, unchanged base first): chr8-60853065-T-TATCACATCCTCAATGACC. GRCh37 (hg19) VCF-style: chr8-61765624-T-TATCACATCCTCAATGACC.
Other names: c.1717-9163_1717-9146dup (NM_001316690.1).
Identifiers: ClinVar variation 997969 (VCV000997969.3), dbSNP rs1805535866, ClinGen allele CA1788103564.
Genomic context (GRCh38, chr8:60,853,065, plus strand): 5'-GGACGGCATGACCGAGACTTGCTGGTTGGTGCTGCTAAACACGGGGTCAGTCGGACGGAT[T>TATCACATCCTCAATGACC]ATCACATCCTCAATGACCCTGAGTTATCCTTCTTGGATGCACATAAAAACTTTGCTCAAA-3'